The following is an entry in ClinVar:

NM_004655.4(AXIN2):c.842del (p.Asn281fs)

Gene: AXIN2 (axin 2; minus strand). Cytogenetic location: 17q24.1.
Variant type: Deletion.
Coding change: c.842del on transcript NM_004655.4 (MANE Select); coding-DNA position 842, one base deleted (A; older notation c.842delA).
Protein change: p.Asn281fs; shifts the reading frame from asparagine 281.
Molecular consequence: frameshift variant.
Genome position (GRCh38, 1-based): chr17:65,549,634, T deleted on the plus strand (A on the coding strand, the reverse complement: AXIN2 is on the minus strand); the first of 2 consecutive T bases (chr17:65,549,634-65,549,635); deleting either gives the same sequence. VCF-style (leftmost placement, unchanged base first): chr17-65549633-AT-A. GRCh37 (hg19) VCF-style: chr17-63545751-AT-A.
Other names: c.842del, p.Asn281fs (NM_001363813.1); short protein forms N281fs.
Identifiers: ClinVar variation 2583567 (VCV002583567.2), dbSNP rs2544218536, ClinGen allele CA2582342301.

ClinVar aggregate classification (germline): Pathogenic (1 of 4 stars; one submission).

Conditions:
Oligodontia-cancer predisposition syndrome. Also called: TOOTH AGENESIS-COLORECTAL CANCER SYNDROME. Identifiers: Orphanet 300576, MedGen C1837750, MONDO:0012075, OMIM 608615. Disease mechanism: loss of function.

Submission:

Myriad Genetics, Inc.
Classification: Pathogenic for Oligodontia-cancer predisposition syndrome. Last evaluated: 2023-05-17. Review status: criteria provided, single submitter. Criteria: Myriad Autosomal Dominant, Autosomal Recessive and X-Linked Classification Criteria (2023). Collection method: clinical testing. Allele origin: unknown.
Comment: This variant is considered pathogenic. This variant creates a frameshift predicted to result in premature protein truncation.